The following is an entry in ClinVar:

ClinVar aggregate classification (germline): Uncertain significance (1 of 4 stars; one submission).

Conditions:
RYR1-related disorder. Also called: RYR1-related disorders; RYR1-related condition. Identifiers: MedGen CN239331.

Submission:

Labcorp Genetics (formerly Invitae), Labcorp
Classification: Uncertain significance for RYR1-related disorder. Last evaluated: 2023-07-07. Review status: criteria provided, single submitter. Criteria: Invitae Variant Classification Sherloc (09022015). Collection method: clinical testing. Allele origin: germline.
Comment: In summary, the available evidence is currently insufficient to determine the role of this variant in disease. Therefore, it has been classified as a Variant of Uncertain Significance. Advanced modeling of protein sequence and biophysical properties (such as structural, functional, and spatial information, amino acid conservation, physicochemical variation, residue mobility, and thermodynamic stability) performed at Invitae indicates that this missense variant is expected to disrupt RYR1 protein function. ClinVar contains an entry for this variant (Variation ID: 657854). This missense change has been observed in individual(s) with metabolic myopathy (Invitae). This variant is not present in population databases (gnomAD no frequency). This sequence change replaces serine, which is neutral and polar, with tryptophan, which is neutral and slightly polar, at codon 4251 of the RYR1 protein (p.Ser4251Trp).

NM_000540.3(RYR1):c.12752C>G (p.Ser4251Trp)

Gene: RYR1 (ryanodine receptor 1; plus strand). Cytogenetic location: 19q13.2.
Variant type: single nucleotide variant.
Coding change: c.12752C>G on transcript NM_000540.3 (MANE Select); coding-DNA position 12752, C replaced by G.
Protein change: p.Ser4251Trp; replaces serine 4251 with tryptophan.
Molecular consequence: missense variant.
Genome position (GRCh38, 1-based): chr19:38,565,086, C>G. VCF-style: chr19-38565086-C-G. GRCh37 (hg19) VCF-style: chr19-39055726-C-G.
Other names: c.12737C>G, p.Ser4246Trp (NM_001042723.2); short protein forms S4246W, S4251W.
Identifiers: ClinVar variation 657854 (VCV000657854.8), dbSNP rs988659631, ClinGen allele CA405671077.